The following is an entry in ClinVar:

ClinVar aggregate classification (germline): Pathogenic (1 of 4 stars; one submission).

Conditions:
Inborn genetic diseases. Identifiers: MedGen C0950123, MeSH D030342.

Allele frequency attached by ClinVar (database versions not stated): TOPMed below 0.00001.
gnomAD v4.1: 7 of 1,609,766 alleles (0.00043%); highest among the groups gnomAD compares: Non-Finnish European, 0.00059%; no homozygotes.

Submission:

Ambry Genetics
Classification: Pathogenic for Inborn genetic diseases. Last evaluated: 2021-02-05. Review status: criteria provided, single submitter. Criteria: Ambry Variant Classification Scheme 2023. Collection method: clinical testing. Allele origin: germline.
Comment: The c.1083C>G (p.Y361*) alteration, located in exon 9 (coding exon 8) of the SOX6 gene, consists of a C to G substitution at nucleotide position 1083. This changes the amino acid from a tyrosine (Y) to a stop codon at amino acid position 361. This alteration is expected to result in loss of function by premature protein truncation or nonsense-mediated mRNA decay. Based on data from the Genome Aggregation Database (gnomAD) database, the SOX6 c.1083C>G alteration was observed in 0.0007% (2/282212) of total alleles studied, with a frequency of 0.0016% (2/128928) in the European (non-Finnish) subpopulation. Based on the available evidence, this alteration is classified as pathogenic.

NM_001367873.1(SOX6):c.1083C>G (p.Tyr361Ter)

Gene: SOX6 (SRY-box transcription factor 6; minus strand). Cytogenetic location: 11p15.2.
Variant type: single nucleotide variant.
Coding change: c.1083C>G on transcript NM_001367873.1 (MANE Select); coding-DNA position 1083, C replaced by G.
Protein change: p.Tyr361Ter; replaces tyrosine 361 with a stop codon.
Molecular consequence: nonsense. On other transcripts: intron variant (3).
Genome position (GRCh38, 1-based): chr11:16,096,014, G>C on the plus strand (C>G on the coding strand, the complement: SOX6 is on the minus strand). VCF-style: chr11-16096014-G-C. GRCh37 (hg19) VCF-style: chr11-16117560-G-C.
Other names: c.1083C>G, p.Tyr361Ter (NM_001145819.2, NM_033326.3); c.978+1595C>G (NM_001367872.1, NM_001145811.2, NM_017508.3); short protein forms Y361*.
Identifiers: ClinVar variation 2389142 (VCV002389142.2), dbSNP rs746904214, ClinGen allele CA379874744.